The following is an entry in ClinVar:

NM_004840.3(ARHGEF6):c.1251A>G (p.Gln417=)

Gene: ARHGEF6 (Rac/Cdc42 guanine nucleotide exchange factor 6; minus strand). Cytogenetic location: Xq26.3.
Variant type: single nucleotide variant.
Coding change: c.1251A>G on transcript NM_004840.3 (MANE Select); coding-DNA position 1251, A replaced by G.
Protein change: p.Gln417=; no amino-acid change (glutamine 417 retained).
Molecular consequence: synonymous variant.
Genome position (GRCh38, 1-based): chrX:136,685,818, T>C on the plus strand (A>G on the coding strand, the complement: ARHGEF6 is on the minus strand). VCF-style: chrX-136685818-T-C. GRCh37 (hg19) VCF-style: chrX-135767977-T-C.
Other names: c.789A>G, p.Gln263= (NM_001306177.2).
Identifiers: ClinVar variation 3053181 (VCV003053181.2), dbSNP rs762641850, ClinGen allele CA10528430.

ClinVar aggregate classification (germline): Likely benign (0 of 4 stars; one submission).

Conditions:
ARHGEF6-related disorder. Also called: ARHGEF6-related condition.

Allele frequency attached by ClinVar (database versions not stated): ExAC 0.00001; gnomAD exomes 0.00002; TOPMed 0.00002; gnomAD 0.00004.
gnomAD v4.1: 25 of 1,208,755 alleles (0.0021%); highest among the groups gnomAD compares: Middle Eastern, 0.023%; no homozygotes.

Submission:

PreventionGenetics, part of Exact Sciences
Classification: Likely benign for ARHGEF6-related condition. Last evaluated: 2019-08-28. Review status: no assertion criteria provided. Collection method: clinical testing. Allele origin: germline.
Comment: This variant is classified as likely benign based on ACMG/AMP sequence variant interpretation guidelines (Richards et al. 2015 PMID: 25741868, with internal and published modifications).